The following continues an entry in ClinVar:

NM_000528.4(MAN2B1):c.2248C>T (p.Arg750Trp)

Gene: MAN2B1. ClinVar aggregate classification (germline): Pathogenic/Likely pathogenic. Pathogenic (24); Likely pathogenic (1).

Submissions 15 to 28 of 28:

Victorian Clinical Genetics Services, Murdoch Childrens Research Institute
Classification: Pathogenic for Deficiency of alpha-mannosidase. Last evaluated: 2023-07-17. Review status: criteria provided, single submitter. Criteria: ACMG Guidelines, 2015. Collection method: clinical testing. Allele origin: germline. Inheritance: Autosomal recessive inheritance. Affected: yes.
Comment: Based on the classification scheme VCGS_Germline_v1.3.4, this variant is classified as Pathogenic. Following criteria are met: 0102 - Loss of function is a known mechanism of disease in this gene and is associated with types I and II alpha-mannosidosis (MIM#248500). (I) 0106 - This gene is associated with autosomal recessive disease. (I) 0200 - Variant is predicted to result in a missense amino acid change from arginine to tryptophan. (I) 0252 - This variant is homozygous. (I) 0304 - Variant is present in gnomAD <0.01 for a recessive condition (v2: 83 heterozygotes, 0 homozygotes). (SP) 0309 - Multiple alternative amino acid changes at the same position have been observed in gnomAD (v3) (highest allele count: 6 heterozygotes, 0 homozygotes). (I) 0501 - Missense variant consistently predicted to be damaging by multiple in silico tools or highly conserved with a major amino acid change. (SP) 0600 - Variant is located in the annotated glycosyl hydrolases family 38 C-terminal domain (DECIPHER). (I) 0801 - This variant has very strong previous evidence of pathogenicity in unrelated individuals. It is one of the most common variants reported in individuals with alpha-mannosidosis (ClinVar, PMID: 26048034). (SP) 1102 - Strong phenotype match for this individual. (I) Legend: (SP) - Supporting pathogenic, (I) - Information, (SB) - Supporting benign

MGZ Medical Genetics Center
Classification: Pathogenic for Deficiency of alpha-mannosidase. Last evaluated: 2022-06-28. Review status: criteria provided, single submitter. Criteria: ACMG Guidelines, 2015. Collection method: clinical testing. Allele origin: germline. Affected: yes. Observed: 3 variant alleles.
Comment: ACMG criteria applied: PM3_STR, PS3_MOD, PS4_MOD, PM2_SUP, PP1, PP3

Institute for Clinical Genetics, University Hospital TU Dresden, University Hospital TU Dresden
Classification: Pathogenic. Last evaluated: 2021-11-03. Review status: criteria provided, single submitter. Criteria: ACMG Guidelines, 2015. Collection method: clinical testing. Allele origin: germline.

Genome-Nilou Lab
Classification: Pathogenic for Deficiency of alpha-mannosidase. Last evaluated: 2021-09-05. Review status: criteria provided, single submitter. Criteria: ACMG Guidelines, 2015. Collection method: clinical testing. Allele origin: germline. Affected: no.

Institute of Medical Genetics and Applied Genomics, University Hospital Tübingen
Classification: Pathogenic. Last evaluated: 2020-10-23. Review status: criteria provided, single submitter. Criteria: ACMG Guidelines, 2015. Collection method: clinical testing. Allele origin: germline. Inheritance: Autosomal recessive inheritance. Affected: yes.

Laboratory for Molecular Medicine, Mass General Brigham Personalized Medicine
Classification: Pathogenic for Deficiency of alpha-mannosidase. Last evaluated: 2020-05-19. Review status: criteria provided, single submitter. Criteria: LMM Criteria. Collection method: clinical testing. Allele origin: germline. Inheritance: Autosomal recessive inheritance. Observed: 2 variant alleles.
Comment: The p.Arg750Trp variant in MAN2B1 has been reported in the homozygous or compound heterozygous state in >50 individuals with alpha-mannosidosis and segregated with disease in at least 5 affected individuals from 5 families (Berg 1999 PMID: 9915946, Lehalle 2019 PMID: 31241255, Gotoda 1998 PMID: 9758606, Riise Stensland 2012 PMID: 22161967, Gotoda 1998 PMID: 9758606). It has also been identified in 0.12% (29/25036) of Finnish chromosomes and 0.04% (48/128844) of European chromosomes by gnomAD. This frequency is low enough to be consistent with a recessive carrier frequency. The p.Arg750Trp variant has also been reported in ClinVar (Variation ID 1687). Computational prediction tools and conservation analyses are consistent with pathogenicity. In vitro functional studies support that this variant impacts protein function (Hansen 2004 PMID: 15035660, Khan 2009 PMID: 19958498). In summary, this variant meets criteria to be classified as pathogenic for autosomal recessive alpha-mannosidosis. ACMG/AMP Criteria applied: PM3_VeryStrong, PP1_Strong, PP3, PS3_Supporting.

Myriad Genetics, Inc.
Classification: Pathogenic for Deficiency of alpha-mannosidase. Last evaluated: 2019-12-04. Review status: criteria provided, single submitter. Criteria: Myriad Women's Health Autosomal Recessive and X-Linked Classification Criteria (2019). Collection method: clinical testing. Allele origin: unknown.
Comment: NM_000528.3(MAN2B1):c.2248C>T(R750W) is classified as pathogenic in the context of alpha-mannosidosis. Sources cited for classification include the following: PMID 22161967, 9915946, 23613340, 9758606 and 15035660. Classification of NM_000528.3(MAN2B1):c.2248C>T(R750W) is based on the following criteria: This is a well-established pathogenic variant in the literature that has been observed more frequently in patients with clinical diagnoses than in healthy populations. Please note: this variant was assessed in the context of healthy population screening.

Institute of Human Genetics, University of Leipzig Medical Center
Classification: Pathogenic for Deficiency of alpha-mannosidase. Last evaluated: 2019-01-30. Review status: criteria provided, single submitter. Criteria: ACMG Guidelines, 2015. Collection method: clinical testing. Allele origin: germline. Affected: yes. Observed: 1 variant allele.
Comment: This variant was identified as homozygous

Illumina Laboratory Services, Illumina
Classification: Pathogenic for Deficiency of alpha-mannosidase. Last evaluated: 2017-08-16. Review status: criteria provided, single submitter. Criteria: ICSL Variant Classification Criteria 09 May 2019. Collection method: clinical testing. Allele origin: germline.
Comment: The MAN2B1 c.2248C>T (p.Arg750Trp) missense variant is one of the most frequently reported variants among individuals with alpha-mannosidosis from European populations and generally accounts for more than 27% of all disease alleles in studied cohorts (Malm et al. 2001; Riise Stensland et al. 2012; Borgwardt et al. 2015). Across a selection of the available literature, the p.Arg750Trp variant has been identified in at least 50 individuals with alpha-mannosidosis, including 22 individuals in a homozygous state and 28 individuals in a compound heterozygous state (Gotoda et al. 1998; Berg et al. 1999; Riise Stensland et al. 2012; Borgwardt et al. 2015). The p.Arg750Trp variant was absent from at least 236 control alleles but is reported at a frequency of 0.001361 in the European (Finnish) population of the Exome Aggregation Consortium. The activity of alpha mannosidase in fibroblasts of two unrelated patients has been reported to demonstrate two percent activity of normal (Gotoda et al. 1998). Nearly absent enzyme activity due to misfolded protein arrested in the endoplasmic reticulum as inactive single-chain forms has been demonstrated in COS1 and COS7 cells transfected with the p.Arg750Trp variant (Gotoda et al. 1998; Hansen et al. 2004). The p.Arg750Trp variant has been used as a negative control for functional analysis of novel MAN2B1 variants (Borgwardt et al. 2015). Based on the collective evidence, the p.Arg750Trp variant is classified as pathogenic for alpha-mannosidosis. This variant was observed by ICSL as part of a predisposition screen in an ostensibly healthy population.

Women's Health and Genetics/Laboratory Corporation of America, LabCorp
Classification: Pathogenic for Deficiency of alpha-mannosidase. Last evaluated: 2017-05-26. Review status: criteria provided, single submitter. Criteria: LabCorp Variant Classification Summary - May 2015. Collection method: clinical testing. Allele origin: germline.
Comment: Variant summary: The MAN2B1 c.2248C>T (p.Arg750Trp) variant involves the alteration of a non-conserved nucleotide. 4/4 in silico tools predict a damaging outcome for this variant (SNPsandGO not captured due to low reliability index). This variant was found in 28/121552 control chromosomes at a frequency of 0.0002304, which does not exceed the estimated maximal expected allele frequency of a pathogenic MAN2B1 variant (0.0015811). The variant has been reported in numerous affected individuals in the literature, both in the homozgyous and compound heterozygous state. Additionally, a functional study showed that the variant protein was misfolded and arrested in the ER as inactive single-chain form, and patients and transfected cell lines both had almost no detectable enzyme activity (Gotoda_1998, Hansen_2004). Multiple clinical diagnostic laboratories/reputable databases classified this variant as pathogenic. Taken together, this variant is classified as pathogenic.

Ambry Genetics
Classification: Pathogenic for Inborn genetic diseases. Last evaluated: 2014-09-07. Review status: criteria provided, single submitter. Criteria: Ambry exome assertion method (8-5-2015). Collection method: clinical testing. Allele origin: germline. Affected: yes. Observed: 2 variant alleles.

ClinVar Staff, National Center for Biotechnology Information (NCBI)
Classification: Uncertain significance for Deficiency of alpha-mannosidase. Last evaluated: 2012-06-07. Review status: no assertion criteria provided. Collection method: literature only. Allele origin: germline. Affected: yes. Not counted in ClinVar's aggregate classification.

OMIM
Classification: Pathogenic for ALPHA-MANNOSIDOSIS. Last evaluated: 2012-03-01. Review status: no assertion criteria provided. Collection method: literature only. Allele origin: germline. Not counted in ClinVar's aggregate classification.

GeneReviews
No classification provided. Condition: Deficiency of alpha-mannosidase. Review status: no classification provided. Collection method: literature only. Allele origin: unknown. Not counted in ClinVar's aggregate classification.

Literature cited by the submitters: PubMed 9758606 (cited by 11 submitters); PubMed 9915946 (cited by 8 submitters); PubMed 22161967 (cited by 6 submitters); PubMed 15035660 (cited by 7 submitters); PubMed 26048034 (cited by 3 submitters); PubMed 31241255 (cited by Laboratory for Molecular Medicine, Mass General Brigham Personalized Medicine); PubMed 19958498 (cited by Laboratory for Molecular Medicine, Mass General Brigham Personalized Medicine); PubMed 30548430 (cited by Laboratory for Molecular Medicine, Mass General Brigham Personalized Medicine); PubMed 23613340 (cited by Myriad Genetics, Inc.); PubMed 20301570 (cited by Illumina Laboratory Services, Illumina and GeneReviews); NCBI Bookshelf NBK1396 (cited by GeneReviews).